The following is an entry in ClinVar:

ClinVar aggregate classification (germline): Uncertain significance. Review status: criteria provided, multiple submitters, no conflicts (2 of 4 stars). 2 submissions from 2 submitters: Uncertain significance (2). Last evaluated 2025-08-12.

Conditions:
Inborn genetic diseases. Identifiers: MedGen C0950123, MeSH D030342.

gnomAD v4.1: 5 of 1,610,636 alleles (0.00031%); highest among the groups gnomAD compares: Admixed American, 0.0017%; no homozygotes.

Submissions (2):

Ambry Genetics
Classification: Uncertain significance for Inborn genetic diseases. Last evaluated: 2025-08-12. Review status: criteria provided, single submitter. Criteria: Ambry Variant Classification Scheme 2023. Collection method: clinical testing. Allele origin: germline.
Comment: The p.S90W variant (also known as c.269C>G), located in coding exon 3 of the ELANE gene, results from a C to G substitution at nucleotide position 269. The serine at codon 90 is replaced by tryptophan, an amino acid with highly dissimilar properties. This amino acid position is conserved. In addition, this alteration is predicted to be tolerated by in silico analysis. Based on the available evidence, the clinical significance of this variant remains unclear.

Mayo Clinic Laboratories, Mayo Clinic
Classification: Uncertain significance. Last evaluated: 2022-11-22. Review status: criteria provided, single submitter. Criteria: ACMG Guidelines, 2015. Collection method: clinical testing. Allele origin: germline. Observed: 2 variant alleles.

NM_001972.4(ELANE):c.269C>G (p.Ser90Trp)

Gene: ELANE (elastase, neutrophil expressed; plus strand). Cytogenetic location: 19p13.3.
Variant type: single nucleotide variant.
Coding change: c.269C>G on transcript NM_001972.4 (MANE Select); coding-DNA position 269, C replaced by G.
Protein change: p.Ser90Trp; replaces serine 90 with tryptophan.
Molecular consequence: missense variant.
Genome position (GRCh38, 1-based): chr19:853,306, C>G. VCF-style: chr19-853306-C-G. GRCh37 (hg19) VCF-style: chr19-853306-C-G.
Other names: p.Ser90Trp; short protein forms S90W.
Identifiers: ClinVar variation 2683465 (VCV002683465.2), dbSNP rs890280050, ClinGen allele CA402915928.